The following is an entry in ClinVar:

ClinVar aggregate classification (germline): Uncertain significance. Review status: criteria provided, multiple submitters, no conflicts (2 of 4 stars). 5 submissions from 5 submitters: Uncertain significance (5). Last evaluated 2024-10-10.

Conditions:
Autosomal recessive cerebellar ataxia-saccadic intrusion syndrome. Also called: SPINOCEREBELLAR ATAXIA 24; VPS13D Movement Disorder. Identifiers: Orphanet 95434, MedGen C1846492, MONDO:0011811, OMIM 607317.
VPS13D-related disorder. Also called: VPS13D-related condition.

Allele frequency attached by ClinVar (database versions not stated): TOPMed 0.00003; gnomAD exomes 0.00005 and 0.00008; gnomAD 0.00006; ExAC 0.00008; ESP Exome Variant Server 0.00008.
gnomAD v4.1: 89 of 1,612,722 alleles (0.0055%); highest among the groups gnomAD compares: Middle Eastern, 0.082%; 1 homozygote.

Submissions (5):

PreventionGenetics, part of Exact Sciences
Classification: Uncertain significance for VPS13D-related condition. Last evaluated: 2024-10-10. Review status: criteria provided, single submitter. Criteria: ACMG Guidelines, 2015. Collection method: clinical testing. Allele origin: germline.
Comment: The VPS13D c.10558G>T variant is predicted to result in the amino acid substitution p.Asp3520Tyr. To our knowledge, this variant has not been reported in the literature. This variant is reported in 0.023% of alleles in individuals of South Asian descent in gnomAD. At this time, the clinical significance of this variant is uncertain due to the absence of conclusive functional and genetic evidence.

Genomic Medicine Center of Excellence, King Faisal Specialist Hospital and Research Centre
Classification: Uncertain significance for Autosomal recessive cerebellar ataxia-saccadic intrusion syndrome. Last evaluated: 2024-03-26. Review status: criteria provided, single submitter. Criteria: ACMG Guidelines, 2015. Collection method: clinical testing. Allele origin: germline.

Labcorp Genetics (formerly Invitae), Labcorp
Classification: Uncertain significance. Last evaluated: 2022-04-10. Review status: criteria provided, single submitter. Criteria: Invitae Variant Classification Sherloc (09022015). Collection method: clinical testing. Allele origin: germline.
Comment: This sequence change replaces aspartic acid, which is acidic and polar, with tyrosine, which is neutral and polar, at codon 3520 of the VPS13D protein (p.Asp3520Tyr). This variant is present in population databases (rs148356821, gnomAD 0.02%). This variant has not been reported in the literature in individuals affected with VPS13D-related conditions. ClinVar contains an entry for this variant (Variation ID: 1314358). Algorithms developed to predict the effect of missense changes on protein structure and function are either unavailable or do not agree on the potential impact of this missense change (SIFT: "Deleterious"; PolyPhen-2: "Probably Damaging"; Align-GVGD: "Class C0"). In summary, the available evidence is currently insufficient to determine the role of this variant in disease. Therefore, it has been classified as a Variant of Uncertain Significance.

GeneDx
Classification: Uncertain significance. Last evaluated: 2021-04-14. Review status: criteria provided, single submitter. Criteria: GeneDx Variant Classification Process June 2021. Collection method: clinical testing. Allele origin: germline. Affected: yes.
Comment: In silico analysis supports that this missense variant has a deleterious effect on protein structure/function; Has not been previously published as pathogenic or benign to our knowledge

Baylor Genetics
Classification: Uncertain significance for Autosomal recessive cerebellar ataxia-saccadic intrusion syndrome. Last evaluated: 2021-01-04. Review status: criteria provided, single submitter. Criteria: ACMG Guidelines, 2015. Collection method: clinical testing. Allele origin: unknown.

NM_015378.4(VPS13D):c.10558G>T (p.Asp3520Tyr)

Gene: VPS13D (vacuolar protein sorting 13 homolog D; plus strand). Cytogenetic location: 1p36.22.
Variant type: single nucleotide variant.
Coding change: c.10558G>T on transcript NM_015378.4 (MANE Select); coding-DNA position 10558, G replaced by T.
Protein change: p.Asp3520Tyr; replaces aspartic acid 3520 with tyrosine.
Molecular consequence: missense variant.
Genome position (GRCh38, 1-based): chr1:12,368,577, G>T. VCF-style: chr1-12368577-G-T. GRCh37 (hg19) VCF-style: chr1-12428632-G-T.
Other names: c.10483G>T, p.Asp3495Tyr (NM_018156.4); c.10558G>T (NM_015378.2); short protein forms D3495Y, D3520Y.
Identifiers: ClinVar variation 1314358 (VCV001314358.9), dbSNP rs148356821, ClinGen allele CA603720.
Genomic context (GRCh38, chr1:12,368,577, plus strand): 5'-GGAGCTACGTATAGGATCTCATTTAGTGACACAGATCAGTTACCTCCTCCTTTCCGAATT[G>T]ACAACTTTTCTAAGGTATCAAGTGGAGCTGAGAGCCAGTTTGACTGTTTCATGTGTGGGA-3'
Protein context (NP_056193.2, residues 3510-3530): TDQLPPPFRI[Asp3520Tyr]NFSKVPVVFT